The following is an entry in ClinVar:

NM_201384.3(PLEC):c.6661C>T (p.Arg2221Cys)

Gene: PLEC (plectin; minus strand). Cytogenetic location: 8q24.3.
Variant type: single nucleotide variant.
Coding change: c.6661C>T on transcript NM_201384.3 (MANE Select); coding-DNA position 6661, C replaced by T.
Protein change: p.Arg2221Cys; replaces arginine 2221 with cysteine.
Molecular consequence: missense variant.
Genome position (GRCh38, 1-based): chr8:143,923,268, G>A on the plus strand (C>T on the coding strand, the complement: PLEC is on the minus strand). VCF-style: chr8-143923268-G-A. GRCh37 (hg19) VCF-style: chr8-144997436-G-A.
Other names: c.6742C>T (NM_000445.3); c.6742C>T, p.Arg2248Cys (NM_000445.5); c.6619C>T, p.Arg2207Cys (NM_201378.4); c.6595C>T, p.Arg2199Cys (NM_201379.3); c.7072C>T, p.Arg2358Cys (NM_201380.4); c.6565C>T, p.Arg2189Cys (NM_201381.3); c.6661C>T, p.Arg2221Cys (NM_201382.4); c.6673C>T, p.Arg2225Cys (NM_201383.3); short protein forms R2207C, R2358C, R2189C, R2199C, R2221C, R2225C, R2248C.
Identifiers: ClinVar variation 567637 (VCV000567637.11), dbSNP rs377275586, ClinGen allele CA4925910.

ClinVar aggregate classification (germline): Uncertain significance. Review status: criteria provided, multiple submitters, no conflicts (2 of 4 stars). 4 submissions from 4 submitters: Uncertain significance (4). Last evaluated 2026-03-31.

Conditions:
PLEC-related disorder. Also called: PLEC-related disorders; PLEC-related condition.
Epidermolysis bullosa simplex 5C, with pyloric atresia (EBS5C). Also called: PLEC-Related Epidermolysis Bullosa with Pyloric Atresia; PLEC1-Related Epidermolysis Bullosa with Pyloric Atresia; Epidermolysis bullosa simplex with pyloric atresia. Identifiers: Orphanet 158684, MedGen C2677349, MONDO:0012807, OMIM 612138.
Epidermolysis bullosa simplex, Ogna type (EBS5A). Also called: Pidermolysis bullosa simplex 5A, Ogna type; EPIDERMOLYSIS BULLOSA SIMPLEX 5A, OGNA TYPE. Identifiers: Orphanet 79401, MedGen C0432317, MONDO:0007555, OMIM 131950.
Epidermolysis bullosa simplex 5B, with muscular dystrophy (EBS5B). Also called: Epidermolysis bullosa simplex with muscular dystrophy; EPIDERMOLYSIS BULLOSA SIMPLEX AND LIMB-GIRDLE MUSCULAR DYSTROPHY. Identifiers: Orphanet 257, MedGen C2931072, MONDO:0009181, OMIM 226670.
Epidermolysis bullosa simplex with nail dystrophy (EBS5D). Identifiers: MedGen C4225309, MONDO:0014661, OMIM 616487.
Autosomal recessive limb-girdle muscular dystrophy type 2Q (LGMDR17). Also called: MUSCULAR DYSTROPHY, LIMB-GIRDLE, AUTOSOMAL RECESSIVE 17. Identifiers: Orphanet 254361, MedGen C3150989, MONDO:0013390, OMIM 613723.

Allele frequency attached by ClinVar (database versions not stated): gnomAD 0.00001 and 0.00005; ExAC 0.00002; gnomAD exomes 0.00002; TOPMed 0.00003; ESP Exome Variant Server 0.00008; 1000 Genomes Project 30x 0.00016; 1000 Genomes Project 0.00020.
gnomAD v4.1: 36 of 1,606,606 alleles (0.0022%); highest among the groups gnomAD compares: Middle Eastern, 0.033%; no homozygotes.

Submissions (4):

PreventionGenetics, part of Exact Sciences
Classification: Uncertain significance for PLEC-related condition. Last evaluated: 2026-03-31. Review status: criteria provided, single submitter. Criteria: ACMG Guidelines, 2015. Collection method: clinical testing. Allele origin: germline.
Comment: The PLEC c.6742C>T variant is predicted to result in the amino acid substitution p.Arg2248Cys. To our knowledge, this variant has not been reported in the literature. This variant is reported in 0.013% of alleles in individuals of African descent in gnomAD. At this time, the clinical significance of this variant is uncertain due to the absence of conclusive functional and genetic evidence.

Labcorp Genetics (formerly Invitae), Labcorp
Classification: Uncertain significance for Autosomal recessive limb-girdle muscular dystrophy type 2Q; Epidermolysis bullosa simplex, Ogna type; Epidermolysis bullosa simplex with nail dystrophy; Epidermolysis bullosa simplex 5C, with pyloric atresia; Epidermolysis bullosa simplex 5B, with muscular dystrophy. Last evaluated: 2025-12-30. Review status: criteria provided, single submitter. Criteria: Invitae Variant Classification Sherloc (09022015). Collection method: clinical testing. Allele origin: germline.
Comment: This sequence change replaces arginine, which is basic and polar, with cysteine, which is neutral and slightly polar, at codon 2248 of the PLEC protein (p.Arg2248Cys). The frequency data for this variant in the population databases is considered unreliable, as metrics indicate poor data quality at this position in the gnomAD database. This variant has not been reported in the literature in individuals affected with PLEC-related conditions. ClinVar contains an entry for this variant (Variation ID: 567637). An algorithm developed to predict the effect of missense changes on protein structure and function outputs the following: PolyPhen-2: "Probably Damaging". The cysteine amino acid residue is found in multiple mammalian species, which suggests that this missense change does not adversely affect protein function. In summary, the available evidence is currently insufficient to determine the role of this variant in disease. Therefore, it has been classified as a Variant of Uncertain Significance.

Revvity Omics, Revvity
Classification: Uncertain significance. Last evaluated: 2019-11-05. Review status: criteria provided, single submitter. Criteria: ACMG Guidelines, 2015. Collection method: clinical testing. Allele origin: germline.

Breakthrough Genomics
Classification: Uncertain significance. Review status: criteria provided, single submitter. Criteria: ACMG Guidelines, 2015. Collection method: not provided. Allele origin: germline. Inheritance: Autosomal recessive inheritance. Affected: yes.